The following is an entry in ClinVar:

ClinVar aggregate classification (germline): Pathogenic (1 of 4 stars; one submission).

Conditions:
Myasthenic syndrome, congenital, 22 (CMS22). Also called: PREPL DEFICIENCY. Identifiers: MedGen C4479088, MONDO:0044299, OMIM 616224.

Submission:

Labcorp Genetics (formerly Invitae), Labcorp
Classification: Pathogenic for Myasthenic syndrome, congenital, 22. Last evaluated: 2022-01-01. Review status: criteria provided, single submitter. Criteria: Invitae Variant Classification Sherloc (09022015). Collection method: clinical testing. Allele origin: germline.
Comment: For these reasons, this variant has been classified as Pathogenic. This variant has not been reported in the literature in individuals affected with PREPL-related conditions. This variant is a gross deletion of the genomic region encompassing exon(s) 1-7 of the PREPL gene, which includes the initiator codon. This deletion extends beyond the assayed region for this gene and therefore may encompass additional genes. It is expected to result in an absent or disrupted protein product. Loss-of-function variants in PREPL are known to be pathogenic (PMID: 24610330, 28726805, 29913539).

Literature cited by the submitters: PubMed 24610330; PubMed 28726805; PubMed 29913539.

NC_000002.11:g.(?_44565470)_(44586854_?)del

Gene: PREPL (prolyl endopeptidase like; minus strand). Cytogenetic location: 2p21.
Variant type: Deletion.
Identifiers: ClinVar variation 2425473 (VCV002425473.4).